The following is an entry in ClinVar:

ClinVar aggregate classification (germline): Uncertain significance. Review status: criteria provided, multiple submitters, no conflicts (2 of 4 stars). 4 submissions from 4 submitters: Uncertain significance (3). 1 of the submissions does not count toward it. Last evaluated 2025-08-12.

Conditions:
Meckel-Gruber syndrome. Also called: Dysencephalia splachnocystica; DYSENCEPHALIA SPLANCHNOCYSTICA; GRUBER SYNDROME. Identifiers: Orphanet 564, MedGen C0265215, MONDO:0018921.
Joubert syndrome. Also called: Familial aplasia of the vermis; JOUBERT-BOLTSHAUSER SYNDROME. Identifiers: Orphanet 475, MedGen C5979921, MONDO:0018772.
MKS1-related disorder. Also called: MKS1-related disorders; MKS1-related condition. Identifiers: MedGen CN239382.
Meckel syndrome, type 1 (MKS1). Also called: MECKEL-GRUBER SYNDROME, TYPE 1. Identifiers: Orphanet 564, MedGen C3714506, MONDO:0009571, OMIM 249000.
Joubert syndrome 28 (JBTS28). Identifiers: MedGen C4310705, MONDO:0014928, OMIM 617121.
Bardet-Biedl syndrome 13 (BBS13). Identifiers: Orphanet 110, MedGen C2673873, MONDO:0014441, OMIM 615990.

Allele frequency attached by ClinVar (database versions not stated): TOPMed below 0.00001; gnomAD exomes 0.00002; ExAC 0.00003; gnomAD 0.00003; 1000 Genomes Project 30x 0.00031; 1000 Genomes Project 0.00040.
gnomAD v4.1: 29 of 1,613,224 alleles (0.0018%); highest among the groups gnomAD compares: Middle Eastern, 0.016%; no homozygotes.

Submissions (4):

GeneDx
Classification: Uncertain significance. Last evaluated: 2025-08-12. Review status: criteria provided, single submitter. Criteria: GeneDx Variant Classification Process June 2021. Collection method: clinical testing. Allele origin: germline. Affected: yes.
Comment: Reported in a patient with Bardet-Biedl syndrome (BBS) in published literature; however, variants in several other BBS-related genes were also present (PMID: 34691137); In silico analysis supports that this missense variant has a deleterious effect on protein structure/function; Not observed at significant frequency in large population cohorts (gnomAD); This variant is associated with the following publications: (PMID: 37995864, 34691137)

Fulgent Genetics
Classification: Uncertain significance for Meckel syndrome, type 1; Bardet-Biedl syndrome 13; Joubert syndrome 28. Last evaluated: 2024-05-31. Review status: criteria provided, single submitter. Criteria: ACMG Guidelines, 2015. Collection method: clinical testing. Allele origin: germline.

Labcorp Genetics (formerly Invitae), Labcorp
Classification: Uncertain significance for Joubert syndrome; Meckel-Gruber syndrome. Last evaluated: 2022-03-23. Review status: criteria provided, single submitter. Criteria: Invitae Variant Classification Sherloc (09022015). Collection method: clinical testing. Allele origin: germline.
Comment: This sequence change replaces arginine, which is basic and polar, with cysteine, which is neutral and slightly polar, at codon 475 of the MKS1 protein (p.Arg475Cys). This variant is present in population databases (rs529604036, gnomAD 0.01%). This variant has not been reported in the literature in individuals affected with MKS1-related conditions. Advanced modeling of protein sequence and biophysical properties (such as structural, functional, and spatial information, amino acid conservation, physicochemical variation, residue mobility, and thermodynamic stability) performed at Invitae indicates that this missense variant is expected to disrupt MKS1 protein function. In summary, the available evidence is currently insufficient to determine the role of this variant in disease. Therefore, it has been classified as a Variant of Uncertain Significance.

PreventionGenetics, part of Exact Sciences
Classification: Uncertain significance for MKS1-related condition. Last evaluated: 2024-02-07. Review status: no assertion criteria provided. Collection method: clinical testing. Allele origin: germline. Not counted in ClinVar's aggregate classification.
Comment: The MKS1 c.1423C>T variant is predicted to result in the amino acid substitution p.Arg475Cys. This variant was reported in heterozygous state in patient with low BMI and maturity-onset diabetes of the young (MODY) (Dallali et al. 2021. PubMed ID: 34691137 . This variant is reported in 0.0098% of alleles in individuals of South Asian descent in gnomAD. At this time, the clinical significance of this variant is uncertain due to the absence of conclusive functional and genetic evidence.

NM_017777.4(MKS1):c.1423C>T (p.Arg475Cys)

Gene: MKS1 (MKS transition zone complex subunit 1; minus strand). Cytogenetic location: 17q22.
Variant type: single nucleotide variant.
Coding change: c.1423C>T on transcript NM_017777.4 (MANE Select); coding-DNA position 1423, C replaced by T.
Protein change: p.Arg475Cys; replaces arginine 475 with cysteine.
Molecular consequence: missense variant. On other transcripts: intron variant (2).
Genome position (GRCh38, 1-based): chr17:58,206,532, G>A on the plus strand (C>T on the coding strand, the complement: MKS1 is on the minus strand). VCF-style: chr17-58206532-G-A. GRCh37 (hg19) VCF-style: chr17-56283893-G-A.
Other names: c.814C>T, p.Arg272Cys (NM_001321268.2); c.1274-152C>T (NM_001330397.2); c.1408-152C>T (NM_001321269.2); short protein forms R272C, R475C.
Identifiers: ClinVar variation 1919612 (VCV001919612.6), dbSNP rs529604036, ClinGen allele CA8669125.